The following is an entry in ClinVar:

ClinVar aggregate classification (germline): other (0 of 4 stars; one submission).

Conditions:
Familial colorectal cancer. Identifiers: MedGen CN280943, MONDO:0023113. Disease mechanism: loss of function.

Submission:

Systems Biology Platform Zhejiang California International NanoSystems Institute
Classification: other for Familial colorectal cancer. Review status: no assertion criteria provided. Collection method: not provided. Allele origin: unknown.
ClinVar note: Converted during submission from cancer to other.

NC_000005.10:g.112851075A>C

Variant type: single nucleotide variant.
Genome position: GRCh38 VCF-style: chr5-112851075-A-C. GRCh37 (hg19) VCF-style: chr5-112186772-A-C.
Identifiers: ClinVar variation 82672 (VCV000082672.3), dbSNP rs76530936, ClinGen allele CA250812.
Genomic context (GRCh38, chr5:112,851,075, plus strand): 5'-TCCTGAGTAGCTGGGATTACAGGCATCCACCAACACACCCAGCTAATCTTTTGTATTTTT[A>C]GTAGAGACAGGGTTTTACCATTTTGGTCAGGCTGGTCTCAAACTCCTGAGCTTAGGTGAT-3'